The following is an entry in ClinVar:

NM_001148.6(ANK2):c.4428T>A (p.Asn1476Lys)

Gene: ANK2 (ankyrin 2; plus strand). Cytogenetic location: 4q26.
Variant type: single nucleotide variant.
Coding change: c.4428T>A on transcript NM_001148.6 (MANE Select); coding-DNA position 4428, T replaced by A.
Protein change: p.Asn1476Lys; replaces asparagine 1476 with lysine.
Molecular consequence: missense variant. On other transcripts: intron variant (68).
Genome position (GRCh38, 1-based): chr4:113,353,046, T>A. VCF-style: chr4-113353046-T-A. GRCh37 (hg19) VCF-style: chr4-114274202-T-A.
Other names: c.4194T>A, p.Asn1398Lys (NM_001386142.1); c.828T>A, p.Asn276Lys (NM_001386166.1); c.4569T>A, p.Asn1523Lys (NM_001386174.1); c.4545T>A, p.Asn1515Lys (NM_001386175.1); c.4411+2797T>A (NM_001386186.2, NM_001386148.2); c.4213+2797T>A (NM_001354269.3); c.4291+2797T>A (NM_001386187.2); c.4252+2797T>A (NM_001386147.1); and 35 more; short protein forms N1476K, N1523K, N1398K, N1515K, N276K.
Identifiers: ClinVar variation 2919522 (VCV002919522.3), dbSNP rs994948142, ClinGen allele CA357914367.

ClinVar aggregate classification (germline): Uncertain significance (1 of 4 stars; one submission).

Conditions:
Long QT syndrome (LQTS). Identifiers: MedGen C0023976, MeSH D008133, MONDO:0002442. Disease mechanism: loss of function. Inheritance: Various modes of inheritance.

Submission:

Labcorp Genetics (formerly Invitae), Labcorp
Classification: Uncertain significance for Long QT syndrome. Last evaluated: 2025-11-13. Review status: criteria provided, single submitter. Criteria: Invitae Variant Classification Sherloc (09022015). Collection method: clinical testing. Allele origin: germline.
Comment: This sequence change replaces asparagine, which is neutral and polar, with lysine, which is basic and polar, at codon 1476 of the ANK2 protein (p.Asn1476Lys). This variant is not present in population databases (gnomAD no frequency). This variant has not been reported in the literature in individuals affected with ANK2-related conditions. ClinVar contains an entry for this variant (Variation ID: 2919522). An algorithm developed to predict the effect of missense changes on protein structure and function (PolyPhen-2) suggests that this variant is likely to be tolerated. Algorithms developed to predict the effect of sequence changes on RNA splicing suggest that this variant may create or strengthen a splice site. In summary, the available evidence is currently insufficient to determine the role of this variant in disease. Therefore, it has been classified as a Variant of Uncertain Significance.